The following is an entry in ClinVar:

ClinVar aggregate classification (germline): Conflicting classifications of pathogenicity. Review status: criteria provided, conflicting classifications (1 of 4 stars). 3 submissions from 3 submitters: Uncertain significance (2); Likely benign (1). Last evaluated 2025-01-10.

Conditions:
Inborn genetic diseases. Identifiers: MedGen C0950123, MeSH D030342.
Amelocerebrohypohidrotic syndrome (KTZS). Also called: Kohlschutter's syndrome; EPILEPSY AND YELLOW TEETH; EPILEPSY, DEMENTIA, AND AMELOGENESIS IMPERFECTA; KOHLSCHUTTER SYNDROME. Identifiers: Orphanet 1946, MedGen C0406740, MONDO:0009185, OMIM 226750.

Allele frequency attached by ClinVar (database versions not stated): ExAC 0.00004; gnomAD exomes 0.00004 and 0.00008; gnomAD 0.00007 and 0.00008; TOPMed 0.00009.
gnomAD v4.1: 117 of 1,564,100 alleles (0.0075%); highest among the groups gnomAD compares: African/African-American, 0.015%; no homozygotes.

Submissions (3):

Ambry Genetics
Classification: Likely benign for Inborn genetic diseases. Last evaluated: 2025-01-10. Review status: criteria provided, single submitter. Criteria: Ambry Variant Classification Scheme 2023. Collection method: clinical testing. Allele origin: germline.

CeGaT Center for Human Genetics Tuebingen
Classification: Uncertain significance. Last evaluated: 2024-10-01. Review status: criteria provided, single submitter. Criteria: CeGaT Center For Human Genetics Tuebingen Variant Classification Criteria Version 2. Collection method: clinical testing. Allele origin: germline. Affected: yes. Observed: 1 variant allele.
Comment: ROGDI: PM2

Labcorp Genetics (formerly Invitae), Labcorp
Classification: Uncertain significance for Amelocerebrohypohidrotic syndrome. Last evaluated: 2022-08-19. Review status: criteria provided, single submitter. Criteria: Invitae Variant Classification Sherloc (09022015). Collection method: clinical testing. Allele origin: germline.
Comment: This sequence change replaces alanine, which is neutral and non-polar, with threonine, which is neutral and polar, at codon 101 of the ROGDI protein (p.Ala101Thr). The frequency data for this variant in the population databases is considered unreliable, as metrics indicate poor data quality at this position in the gnomAD database. This variant has not been reported in the literature in individuals affected with ROGDI-related conditions. ClinVar contains an entry for this variant (Variation ID: 575566). Algorithms developed to predict the effect of missense changes on protein structure and function output the following: SIFT: "Tolerated"; PolyPhen-2: "Benign"; Align-GVGD: "Class C0". The threonine amino acid residue is found in multiple mammalian species, which suggests that this missense change does not adversely affect protein function. In summary, the available evidence is currently insufficient to determine the role of this variant in disease. Therefore, it has been classified as a Variant of Uncertain Significance.

NM_024589.3(ROGDI):c.301G>A (p.Ala101Thr)

Gene: ROGDI (rogdi atypical leucine zipper; minus strand). Cytogenetic location: 16p13.3.
Variant type: single nucleotide variant.
Coding change: c.301G>A on transcript NM_024589.3 (MANE Select); coding-DNA position 301, G replaced by A.
Protein change: p.Ala101Thr; replaces alanine 101 with threonine.
Molecular consequence: missense variant. On other transcripts: non-coding transcript variant (1).
Genome position (GRCh38, 1-based): chr16:4,800,533, C>T on the plus strand (G>A on the coding strand, the complement: ROGDI is on the minus strand). VCF-style: chr16-4800533-C-T. GRCh37 (hg19) VCF-style: chr16-4850534-C-T.
Other names: c.301G>A (NM_024589.1); short protein forms A101T.
Identifiers: ClinVar variation 575566 (VCV000575566.20), dbSNP rs371783831, ClinGen allele CA7882803.